The following is an entry in ClinVar:

NM_001134407.3(GRIN2A):c.3126G>C (p.Arg1042Ser)

Gene: GRIN2A (glutamate ionotropic receptor NMDA type subunit 2A; minus strand). Cytogenetic location: 16p13.2.
Variant type: single nucleotide variant.
Coding change: c.3126G>C on transcript NM_001134407.3 (MANE Select); coding-DNA position 3126, G replaced by C.
Protein change: p.Arg1042Ser; replaces arginine 1042 with serine.
Molecular consequence: missense variant.
Genome position (GRCh38, 1-based): chr16:9,764,418, C>G on the plus strand (G>C on the coding strand, the complement: GRIN2A is on the minus strand). VCF-style: chr16-9764418-C-G. GRCh37 (hg19) VCF-style: chr16-9858275-C-G.
Other names: c.3126G>C, p.Arg1042Ser (NM_000833.5, NM_001134408.2); short protein forms R1042S.
Identifiers: ClinVar variation 1727901 (VCV001727901.5), dbSNP rs142053517, ClinGen allele CA7896366.

ClinVar aggregate classification (germline): Uncertain significance. Review status: criteria provided, multiple submitters, no conflicts (2 of 4 stars). 2 submissions from 2 submitters: Uncertain significance (2). Last evaluated 2024-05-02.

Conditions:
Landau-Kleffner syndrome (FESD). Also called: EPILEPSY, FOCAL, WITH SPEECH DISORDER AND WITH OR WITHOUT MENTAL RETARDATION; APHASIA, ACQUIRED, WITH EPILEPSY. Identifiers: Orphanet 1945, Orphanet 725, Orphanet 98818, MedGen C0282512, MONDO:0009509, OMIM 245570.
Inborn genetic diseases. Identifiers: MedGen C0950123, MeSH D030342.

Allele frequency attached by ClinVar (database versions not stated): gnomAD exomes 0.00002; ESP Exome Variant Server 0.00008; ExAC 0.00002.
gnomAD v4.1: 24 of 1,613,874 alleles (0.0015%); highest among the groups gnomAD compares: Non-Finnish European, 0.002%; no homozygotes.

Submissions (2):

Labcorp Genetics (formerly Invitae), Labcorp
Classification: Uncertain significance for Landau-Kleffner syndrome. Last evaluated: 2024-05-02. Review status: criteria provided, single submitter. Criteria: Invitae Variant Classification Sherloc (09022015). Collection method: clinical testing. Allele origin: germline.
Comment: This sequence change replaces arginine, which is basic and polar, with serine, which is neutral and polar, at codon 1042 of the GRIN2A protein (p.Arg1042Ser). This variant is present in population databases (rs142053517, gnomAD 0.002%). This variant has not been reported in the literature in individuals affected with GRIN2A-related conditions. ClinVar contains an entry for this variant (Variation ID: 1727901). Advanced modeling of protein sequence and biophysical properties (such as structural, functional, and spatial information, amino acid conservation, physicochemical variation, residue mobility, and thermodynamic stability) performed at Invitae indicates that this missense variant is not expected to disrupt GRIN2A protein function with a negative predictive value of 95%. In summary, the available evidence is currently insufficient to determine the role of this variant in disease. Therefore, it has been classified as a Variant of Uncertain Significance.

Ambry Genetics
Classification: Uncertain significance for Inborn genetic diseases. Last evaluated: 2018-01-31. Review status: criteria provided, single submitter. Criteria: Ambry Variant Classification Scheme 2023. Collection method: clinical testing. Allele origin: germline.
Comment: The p.R1042S variant (also known as c.3126G>C), located in coding exon 12 of the GRIN2A gene, results from a G to C substitution at nucleotide position 3126. The arginine at codon 1042 is replaced by serine, an amino acid with dissimilar properties. This amino acid position is well conserved in available vertebrate species. In addition, this alteration is predicted to be tolerated by in silico analysis. Since supporting evidence is limited at this time, the clinical significance of this alteration remains unclear.